The following is an entry in ClinVar:

ClinVar aggregate classification (germline): Benign. Review status: criteria provided, multiple submitters, no conflicts (2 of 4 stars). 2 submissions from 2 submitters: Benign (2). Last evaluated 2018-06-14.

Conditions:
Wolfram syndrome 1 (WFS1). Identifiers: Orphanet 3463, MedGen C4551693, MONDO:0009101, OMIM 222300.

Allele frequency attached by ClinVar (database versions not stated): gnomAD 0.62693 and 0.63353; TOPMed 0.64419; 1000 Genomes Project 30x 0.70706; 1000 Genomes Project 0.70887.
gnomAD v4.1: 96,158 of 152,052 alleles (63%); highest among the groups gnomAD compares: East Asian, 93%; 31,011 homozygotes.

Submissions (2):

GeneDx
Classification: Benign. Last evaluated: 2018-06-14. Review status: criteria provided, single submitter. Criteria: GeneDx Variant Classification (06012015). Collection method: clinical testing. Allele origin: germline. Affected: yes.
Comment: This variant is considered likely benign or benign based on one or more of the following criteria: it is a conservative change, it occurs at a poorly conserved position in the protein, it is predicted to be benign by multiple in silico algorithms, and/or has population frequency not consistent with disease.

Clinical Genomics, Uppaluri K&H Personalized Medicine Clinic
Classification: Benign for Wolfram syndrome 1. Review status: criteria provided, single submitter. Criteria: K & H Uppaluri Personalized Medicine Clinic Variant Classification & Assertion Criteria_Updated V.1. Collection method: research. Allele origin: unknown. Inheritance: Autosomal recessive inheritance.
Comment: Potent mutations in WFS1 gene are associated with Wolfram's syndrome, an autosomal recessive condition, which cause diabetes mellitus, diabetes insipidus, deafness and optic atrophy. However no sufficient evidence is found to ascertain the role of this particular variant rs6446480 in Wolfram's syndrome yet.

Literature cited by the submitters: PubMed 20738327 (cited by Clinical Genomics, Uppaluri K&H Personalized Medicine Clinic); PubMed 33879153 (cited by Clinical Genomics, Uppaluri K&H Personalized Medicine Clinic); PubMed 12955714 (cited by Clinical Genomics, Uppaluri K&H Personalized Medicine Clinic); PubMed 18060660 (cited by Clinical Genomics, Uppaluri K&H Personalized Medicine Clinic); PubMed 20301750 (cited by Clinical Genomics, Uppaluri K&H Personalized Medicine Clinic); PubMed 17603484 (cited by Clinical Genomics, Uppaluri K&H Personalized Medicine Clinic).

NM_006005.3(WFS1):c.713-1203C>T

Gene: WFS1 (wolframin ER transmembrane glycoprotein; plus strand). Cytogenetic location: 4p16.1.
Variant type: single nucleotide variant.
Coding change: c.713-1203C>T on transcript NM_006005.3 (MANE Select); 1203 bases into the intron before coding-DNA position 713, C replaced by T.
Molecular consequence: intron variant.
Genome position (GRCh38, 1-based): chr4:6,293,838, C>T. VCF-style: chr4-6293838-C-T. GRCh37 (hg19) VCF-style: chr4-6295565-C-T.
Other names: c.713-1203C>T (NM_001145853.1).
Identifiers: ClinVar variation 684348 (VCV000684348.2), dbSNP rs6446480, ClinGen allele CA11634640.